The following is an entry in ClinVar:

NM_001430.5(EPAS1):c.1238C>T (p.Ser413Phe)

Gene: EPAS1 (endothelial PAS domain protein 1; plus strand). Cytogenetic location: 2p21.
Variant type: single nucleotide variant.
Coding change: c.1238C>T on transcript NM_001430.5 (MANE Select); coding-DNA position 1238, C replaced by T.
Protein change: p.Ser413Phe; replaces serine 413 with phenylalanine.
Molecular consequence: missense variant.
Genome position (GRCh38, 1-based): chr2:46,376,742, C>T. VCF-style: chr2-46376742-C-T. GRCh37 (hg19) VCF-style: chr2-46603881-C-T.
Other names: short protein forms S413F.
Identifiers: ClinVar variation 1757371 (VCV001757371.2), dbSNP rs751652034, ClinGen allele CA1644918.
Genomic context (GRCh38, chr2:46,376,742, plus strand): 5'-TAAAGGAGGAGCCCGAGGAGCTGGCCCAGCTGGCTCCCACCCCAGGAGACGCCATCATCT[C>T]TCTGGATTTCGGTGGGTGCTTCTTAGCTAAGCCAGGCCCCTGGAACCCCGTTGGGGCTGG-3'
Protein context (NP_001421.2, residues 403-423): LAPTPGDAII[Ser413Phe]LDFGNQNFEE

ClinVar aggregate classification (germline): Uncertain significance (1 of 4 stars; one submission).

Conditions:
Inborn genetic diseases. Identifiers: MedGen C0950123, MeSH D030342.

Allele frequency attached by ClinVar (database versions not stated): ExAC 0.00001; gnomAD exomes 0.00001.
gnomAD v4.1: 3 of 1,612,322 alleles (0.00019%); highest among the groups gnomAD compares: South Asian, 0.0011%; no homozygotes.

Submission:

Ambry Genetics
Classification: Uncertain significance for Inborn genetic diseases. Last evaluated: 2022-07-07. Review status: criteria provided, single submitter. Criteria: Ambry Variant Classification Scheme 2023. Collection method: clinical testing. Allele origin: germline.
Comment: The p.S413F variant (also known as c.1238C>T), located in coding exon 9 of the EPAS1 gene, results from a C to T substitution at nucleotide position 1238. The serine at codon 413 is replaced by phenylalanine, an amino acid with highly dissimilar properties. This amino acid position is conserved. In addition, the in silico prediction for this alteration is inconclusive. Since supporting evidence is limited at this time, the clinical significance of this alteration remains unclear.